The following is an entry in ClinVar:

ClinVar aggregate classification (germline): Uncertain significance (0 of 4 stars; one submission).

Submission:

ISCA site 1
Classification: Uncertain significance. Last evaluated: 2011-05-06. Review status: no assertion criteria provided. Collection method: clinical testing. Allele origin: maternal. Affected: yes. Observed: 1 variant allele.
Comment: Copy number variation identified through the course of routine clinical cytogenomic testing in postnatal populations. Clinical assertions have been curated as described in Kaminsky et al. 2011.

Copy number variation identified through the course of routine clinical cytogenomic testing in postnatal populations. Clinical assertions have been curated as described in Kaminsky, et al. 2011 (PubMed 21844811). For additional ClinGen data, please see nstd37.

GRCh38/hg38 Xp11.3(chrX:43573663-44655459)x3

Genes: EFHC2 (EF-hand domain containing 2; minus strand), FUNDC1 (FUN14 domain containing 1; minus strand), MAOA (monoamine oxidase A; plus strand), MAOB (monoamine oxidase B; minus strand), NDP (norrin cystine knot growth factor NDP; minus strand) and 6 more. Cytogenetic location: Xp11.3.
Variant type: copy number gain.
Change: copy number 3 of chrX:43,573,663-44,655,459 (1.08 Mb, GRCh38 coordinates, 1-based), cytogenetic band Xp11.3.
Identifiers: ClinVar variation 146476 (VCV000146476.3).